The following is an entry in ClinVar:

NM_014889.4(PITRM1):c.2727C>T (p.Gly909=)

Gene: PITRM1 (pitrilysin metallopeptidase 1; minus strand). Cytogenetic location: 10p15.2.
Variant type: single nucleotide variant.
Coding change: c.2727C>T on transcript NM_014889.4 (MANE Select); coding-DNA position 2727, C replaced by T.
Protein change: p.Gly909=; no amino-acid change (glycine 909 retained).
Molecular consequence: synonymous variant. On other transcripts: non-coding transcript variant (4).
Genome position (GRCh38, 1-based): chr10:3,140,731, G>A on the plus strand (C>T on the coding strand, the complement: PITRM1 is on the minus strand). VCF-style: chr10-3140731-G-A. GRCh37 (hg19) VCF-style: chr10-3182923-G-A.
Other names: c.2730C>T, p.Gly910= (NM_001242307.2); c.2433C>T, p.Gly811= (NM_001242309.1); c.2529C>T, p.Gly843= (NM_001347725.2); c.1914C>T, p.Gly638= (NM_001347726.2); c.2112C>T, p.Gly704= (NM_001347727.2); c.1422C>T, p.Gly474= (NM_001347728.2); c.2703C>T, p.Gly901= (NM_001347729.1); c.2505C>T, p.Gly835= (NM_001347730.1).
Identifiers: ClinVar variation 1990471 (VCV001990471.12), dbSNP rs775640785, ClinGen allele CA5387247.
Genomic context (GRCh38, chr10:3,140,731, plus strand): 5'-CTAGAGCAAAACTCACCTGTAAGAGTAAAGGGTGAAAATCCCATTGTGGCTGAGTTTTGC[G>A]CCTCCACCATAAGCACCGCCTTTTTCTCGAATTTCTGTATGCAAGAATTTGGCAGTCATC-3'
Protein context (NP_055704.2, residues 899-919): IREKGGAYGG[Gly909=]AKLSHNGIFT

ClinVar aggregate classification (germline): Likely benign. Review status: criteria provided, multiple submitters, no conflicts (2 of 4 stars). 3 submissions from 3 submitters: Likely benign (3). Last evaluated 2025-09-01.

Allele frequency attached by ClinVar (database versions not stated): gnomAD 0.00004; TOPMed 0.00004; ExAC 0.00011.
gnomAD v4.1: 72 of 1,597,160 alleles (0.0045%); highest among the groups gnomAD compares: South Asian, 0.0057%; no homozygotes.

Submissions (3):

CeGaT Center for Human Genetics Tuebingen
Classification: Likely benign. Last evaluated: 2025-09-01. Review status: criteria provided, single submitter. Criteria: CeGaT Center For Human Genetics Tuebingen Variant Classification Criteria Version 2. Collection method: clinical testing. Allele origin: germline. Affected: yes. Observed: 1 variant allele.
Comment: PITRM1: BP4, BP7

Blueprint Genetics
Classification: Likely benign. Last evaluated: 2024-06-26. Review status: criteria provided, single submitter. Criteria: ACMG Guidelines, 2015. Collection method: clinical testing. Allele origin: germline.

Labcorp Genetics (formerly Invitae), Labcorp
Classification: Likely benign. Last evaluated: 2022-07-19. Review status: criteria provided, single submitter. Criteria: Invitae Variant Classification Sherloc (09022015). Collection method: clinical testing. Allele origin: germline.